The following is an entry in ClinVar:

NM_000551.4(VHL):c.445G>A (p.Ala149Thr)

Genes: VHL (von Hippel-Lindau tumor suppressor; plus strand), LOC107303340 (3p25 von Hippel-Lindau tumor suppressor, E3 ubiquitin protein ligase Alu-mediated recombination region; plus strand). Cytogenetic location: 3p25.3.
Variant type: single nucleotide variant.
Coding change: c.445G>A on transcript NM_000551.4 (MANE Select); coding-DNA position 445, G replaced by A.
Protein change: p.Ala149Thr; replaces alanine 149 with threonine.
Molecular consequence: missense variant. On other transcripts: intron variant (2).
Genome position (GRCh38, 1-based): chr3:10,146,618, G>A. VCF-style: chr3-10146618-G-A. GRCh37 (hg19) VCF-style: chr3-10188302-G-A.
Other names: c.*18-3169G>A (NM_001354723.2); c.341-3169G>A (NM_198156.3); short protein forms A149T.
Identifiers: ClinVar variation 223213 (VCV000223213.3), dbSNP rs587780077, ClinGen allele CA357066.

ClinVar aggregate classification (germline): Pathogenic. Review status: criteria provided, single submitter (1 of 4 stars). 2 submissions from 2 submitters: Pathogenic (1). 1 of the submissions does not count toward it. Last evaluated 2017-01-30.

Conditions:
Hereditary cancer-predisposing syndrome. Also called: Tumor predisposition; Hereditary neoplastic syndrome; Neoplastic Syndromes, Hereditary; Hereditary Cancer Syndrome. Identifiers: Orphanet 140162, MedGen C0027672, MeSH D009386, MONDO:0015356.
Von Hippel-Lindau syndrome (VHLS). Also called: Von Hippel-Lindau; von Hippel–Lindau syndrome; VHL syndrome. Identifiers: Orphanet 892, MedGen C0019562, MONDO:0008667, OMIM 193300. Disease mechanism: loss of function.

Submissions (2):

Ambry Genetics
Classification: Pathogenic for Hereditary cancer-predisposing syndrome. Last evaluated: 2017-01-30. Review status: criteria provided, single submitter. Criteria: Ambry Variant Classification Scheme 2023. Collection method: clinical testing. Allele origin: germline.
Comment: The p.A149T pathogenic mutation (also known as c.445G>A), located in coding exon 2 of the VHL gene, results from a G to A substitution at nucleotide position 445. The alanine at codon 149 is replaced by threonine, an amino acid with similar properties. This alteration has been reported in individuals with a clinical diagnosis of von Hippel-Lindau (VHL) syndrome (Gallou C et al. Hum. Mutat., 2004 Sep;24:215-24; Ambry internal data). Functional analysis demonstrated a reduced affinity for and decreased ability to ubiquinate HIF-1&alpha;, a critical transcription factor activated during hypoxia, and regulated by VHL (Hansen WJ et al. Mol. Cell. Biol., 2002 Mar;22:1947-60). Based on internal structural analysis, this variant is anticipated to result in a significant decrease in structural stability (Van Molle I et al. Chem. Biol., 2012 Oct;19:1300-12). In addition, another alteration at this same amino acid position, p.A149S, has been shown to segregate with disease in two large VHL families (Mete T, et al. Endocrine 2014;45(1):128-35; Atuk NO, et al. J. Clin. Endocrinol. Metab. 1998;83(1):117-20). Based on the supporting evidence, this alteration is interpreted as a disease-causing mutation.

Genomic Diagnostic Laboratory, Division of Genomic Diagnostics, Children's Hospital of Philadelphia
Classification: Pathogenic for Von Hippel-Lindau syndrome. Last evaluated: 2016-02-26. Review status: no assertion criteria provided. Collection method: clinical testing. Allele origin: germline. Affected: yes. Observed: 7 variant alleles. Not counted in ClinVar's aggregate classification.

Literature cited by the submitters: PubMed 11865071 (cited by Ambry Genetics); PubMed 15300849 (cited by Ambry Genetics); PubMed 23102223 (cited by Ambry Genetics).